The following is an entry in ClinVar:

ClinVar aggregate classification (germline): Likely benign. Review status: criteria provided, multiple submitters, no conflicts (2 of 4 stars). 2 submissions from 2 submitters: Likely benign (2). Last evaluated 2025-01-19.

Allele frequency attached by ClinVar (database versions not stated): gnomAD 0.00001; gnomAD exomes 0.00001; ExAC 0.00002; TOPMed 0.00002.
gnomAD v4.1: 22 of 1,608,300 alleles (0.0014%); highest among the groups gnomAD compares: South Asian, 0.011%; no homozygotes.

Submissions (2):

Labcorp Genetics (formerly Invitae), Labcorp
Classification: Likely benign. Last evaluated: 2025-01-19. Review status: criteria provided, single submitter. Criteria: Invitae Variant Classification Sherloc (09022015). Collection method: clinical testing. Allele origin: germline.

CeGaT Center for Human Genetics Tuebingen
Classification: Likely benign. Last evaluated: 2024-03-01. Review status: criteria provided, single submitter. Criteria: CeGaT Center For Human Genetics Tuebingen Variant Classification Criteria Version 2. Collection method: clinical testing. Allele origin: germline. Affected: yes. Observed: 1 variant allele.
Comment: HSPG2: BP4, BP7

NM_005529.7(HSPG2):c.7281G>A (p.Ala2427=)

Gene: HSPG2 (heparan sulfate proteoglycan 2; minus strand). Cytogenetic location: 1p36.12.
Variant type: single nucleotide variant.
Coding change: c.7281G>A on transcript NM_005529.7 (MANE Select); coding-DNA position 7281, G replaced by A.
Protein change: p.Ala2427=; no amino-acid change (alanine 2427 retained).
Molecular consequence: synonymous variant.
Genome position (GRCh38, 1-based): chr1:21,850,376, C>T on the plus strand (G>A on the coding strand, the complement: HSPG2 is on the minus strand). VCF-style: chr1-21850376-C-T. GRCh37 (hg19) VCF-style: chr1-22176869-C-T.
Other names: c.7284G>A, p.Ala2428= (NM_001291860.2).
Identifiers: ClinVar variation 3234297 (VCV003234297.22), dbSNP rs760565542, ClinGen allele CA671258.